The following is an entry in ClinVar:

ClinVar aggregate classification (germline): Uncertain significance (1 of 4 stars; one submission).

Submission:

GeneDx
Classification: Uncertain significance. Last evaluated: 2023-11-28. Review status: criteria provided, single submitter. Criteria: GeneDx Variant Classification Process June 2021. Collection method: clinical testing. Allele origin: germline. Affected: yes.
Comment: Not observed at significant frequency in large population cohorts (gnomAD); In silico analysis supports that this missense variant does not alter protein structure/function; Has not been previously published as pathogenic or benign to our knowledge

NM_012310.5(KIF4A):c.1537A>G (p.Thr513Ala)

Gene: KIF4A (kinesin family member 4A; plus strand). Cytogenetic location: Xq13.1.
Variant type: single nucleotide variant.
Coding change: c.1537A>G on transcript NM_012310.5 (MANE Select); coding-DNA position 1537, A replaced by G.
Protein change: p.Thr513Ala; replaces threonine 513 with alanine.
Molecular consequence: missense variant.
Genome position (GRCh38, 1-based): chrX:70,353,670, A>G. VCF-style: chrX-70353670-A-G. GRCh37 (hg19) VCF-style: chrX-69573520-A-G.
Other names: short protein forms T513A.
Identifiers: ClinVar variation 3364728 (VCV003364728.1).